The following is an entry in ClinVar:

NM_015346.4(ZFYVE26):c.5901C>A (p.Asn1967Lys)

Gene: ZFYVE26 (zinc finger FYVE-type containing 26; minus strand). Cytogenetic location: 14q24.1.
Variant type: single nucleotide variant.
Coding change: c.5901C>A on transcript NM_015346.4 (MANE Select); coding-DNA position 5901, C replaced by A.
Protein change: p.Asn1967Lys; replaces asparagine 1967 with lysine.
Molecular consequence: missense variant.
Genome position (GRCh38, 1-based): chr14:67,766,337, G>T on the plus strand (C>A on the coding strand, the complement: ZFYVE26 is on the minus strand). VCF-style: chr14-67766337-G-T. GRCh37 (hg19) VCF-style: chr14-68233054-G-T.
Other names: short protein forms N1967K.
Identifiers: ClinVar variation 1939482 (VCV001939482.2), dbSNP rs761823443, ClinGen allele CA390165799.
Genomic context (GRCh38, chr14:67,766,337, plus strand): 5'-CTTGGCGCTGAACAGCAGCTGCTTCATGATGTCCGTGAGCAGCCCGGCATCCACCTCTGG[G>T]TTGGTGAGGCCCTTGGAGAGCCTGCAGCAGTGCTCAATCAGCTGGTGACCACAGGCAATG-3'
Protein context (NP_056161.2, residues 1957-1977): HCCRLSKGLT[Asn1967Lys]PEVDAGLLTD

ClinVar aggregate classification (germline): Uncertain significance (1 of 4 stars; one submission).

Conditions:
Spastic paraplegia. Identifiers: MedGen C0037772, HP:0001258.

gnomAD v4.1: 2 of 1,613,290 alleles (0.00012%); highest among the groups gnomAD compares: African/African-American, 0.0027%; no homozygotes.

Submission:

Labcorp Genetics (formerly Invitae), Labcorp
Classification: Uncertain significance for Spastic paraplegia. Last evaluated: 2022-08-21. Review status: criteria provided, single submitter. Criteria: Invitae Variant Classification Sherloc (09022015). Collection method: clinical testing. Allele origin: germline.
Comment: This sequence change replaces asparagine, which is neutral and polar, with lysine, which is basic and polar, at codon 1967 of the ZFYVE26 protein (p.Asn1967Lys). This variant is present in population databases (no rsID available, gnomAD 0.01%). This variant has not been reported in the literature in individuals affected with ZFYVE26-related conditions. Algorithms developed to predict the effect of missense changes on protein structure and function are either unavailable or do not agree on the potential impact of this missense change (SIFT: "Deleterious"; PolyPhen-2: "Probably Damaging"; Align-GVGD: "Class C0"). In summary, the available evidence is currently insufficient to determine the role of this variant in disease. Therefore, it has been classified as a Variant of Uncertain Significance.